The following is an entry in ClinVar:

NM_182914.3(SYNE2):c.6790dup (p.Thr2264fs)

Gene: SYNE2 (spectrin repeat containing nuclear envelope protein 2; plus strand). Cytogenetic location: 14q23.2.
Variant type: Duplication.
Coding change: c.6790dup on transcript NM_182914.3 (MANE Select); coding-DNA position 6790, one base duplicated (A; older notation c.6790dupA).
Protein change: p.Thr2264fs; shifts the reading frame from threonine 2264.
Molecular consequence: frameshift variant.
Genome position (GRCh38, 1-based): chr14:64,029,970, A duplicated. VCF-style (leftmost placement, unchanged base first): chr14-64029969-T-TA. GRCh37 (hg19) VCF-style: chr14-64496687-T-TA.
Other names: c.6790dup, p.Thr2264fs (NM_015180.6); short protein forms T2264fs.
Identifiers: ClinVar variation 4279615 (VCV004279615.1).
Genomic context (GRCh38, chr14:64,029,969, plus strand): 5'-CTTGGACGGTCACGTTCGAGAACATGATTCATACCAGGTTTGCGTCACAGACCTGAATAC[T>TA]ACATTGGACAATTTCTCCAAGGAATTTGTCAGTTTTTCTGATAAGCCTGTGGATCAAATA-3'

ClinVar aggregate classification (germline): Likely pathogenic (1 of 4 stars; one submission).

Conditions:
Emery-Dreifuss muscular dystrophy 5, autosomal dominant (EDMD5). Also called: EMERY-DREIFUSS MUSCULAR DYSTROPHY 5. Identifiers: Orphanet 261, MedGen C2751805, MONDO:0013072, OMIM 612999.

Submission:

Diagnostics Services (NGS), CSIR - Centre For Cellular And Molecular Biology
Classification: Likely pathogenic for Emery-Dreifuss muscular dystrophy 5, autosomal dominant. Last evaluated: 2025-09-26. Review status: criteria provided, single submitter. Criteria: ACMG Guidelines, 2015. Collection method: clinical testing. Allele origin: germline. Affected: yes. Observed: 1 variant allele, 1 heterozygote.
Comment: The c.6790dup variant is not present in 1000 Genomes, EVS, gnomAD, Indian Exome Database or our internal database. This variant has neither been published in literature in individuals affected with SYNE2-related conditions nor reported to the clinical databases like Human Genome Mutation Database (HGMD), ClinVar or OMIM, in any affected individuals. In-silico pathogenicity prediction programs like MutationTaster2021, CADD, Franklin, Varsome, etc predicted this variant to be likely deleterious. This variant causes frameshift at the 2264th amino acid position of the wild-type transcript which creates a premature translational stop signal at the altered transcript that may either result in translation of a truncated protein or cause nonsense mediated decay of the mRNA.